The following is an entry in ClinVar:

ClinVar aggregate classification (germline): Pathogenic (1 of 4 stars; one submission).

Conditions:
Ehlers-Danlos syndrome, classic type, 1 (EDSCL1). Also called: EHLERS-DANLOS SYNDROME, GRAVIS TYPE; EHLERS-DANLOS SYNDROME, SEVERE CLASSIC TYPE; Ehlers-Danlos syndrome, type 1; EDS I; Ehlers-Danlos Syndrome, Classic Type, COL5A1-Related. Identifiers: MedGen C0268335, MONDO:0019567, OMIM 130000.

Submission:

Labcorp Genetics (formerly Invitae), Labcorp
Classification: Pathogenic for Ehlers-Danlos syndrome, classic type, 1. Last evaluated: 2022-06-24. Review status: criteria provided, single submitter. Criteria: Invitae Variant Classification Sherloc (09022015). Collection method: clinical testing. Allele origin: germline.
Comment: For these reasons, this variant has been classified as Pathogenic. Algorithms developed to predict the effect of sequence changes on RNA splicing suggest that this variant may create or strengthen a splice site. This variant has not been reported in the literature in individuals affected with COL5A1-related conditions. This variant is not present in population databases (gnomAD no frequency). This sequence change creates a premature translational stop signal (p.Gln1509*) in the COL5A1 gene. It is expected to result in an absent or disrupted protein product. Loss-of-function variants in COL5A1 are known to be pathogenic (PMID: 23587214).

Literature cited by the submitters: PubMed 23587214.

NM_000093.5(COL5A1):c.4525C>T (p.Gln1509Ter)

Genes: COL5A1 (collagen type V alpha 1 chain; plus strand), LOC101448202 (uncharacterized LOC101448202; minus strand). Cytogenetic location: 9q34.3.
Variant type: single nucleotide variant.
Coding change: c.4525C>T on transcript NM_000093.5 (MANE Select); coding-DNA position 4525, C replaced by T.
Protein change: p.Gln1509Ter; replaces glutamine 1509 with a stop codon.
Molecular consequence: nonsense. On other transcripts: non-coding transcript variant (1).
Genome position (GRCh38, 1-based): chr9:134,820,194, C>T. VCF-style: chr9-134820194-C-T. GRCh37 (hg19) VCF-style: chr9-137712040-C-T.
Other names: c.4525C>T, p.Gln1509Ter (NM_001278074.1); short protein forms Q1509*.
Identifiers: ClinVar variation 2010413 (VCV002010413.4), dbSNP rs2490856978, ClinGen allele CA375457877.